The following is an entry in ClinVar:

ClinVar aggregate classification (germline): Uncertain significance. Review status: criteria provided, multiple submitters, no conflicts (2 of 4 stars). 2 submissions from 2 submitters: Uncertain significance (2). Last evaluated 2021-06-16.

Conditions:
Muscular dystrophy-dystroglycanopathy (congenital with brain and eye anomalies), type a, 11 (MDDGA11). Also called: Muscular dystrophy-dystroglycanopathy (congenital with brain and eye anomalies, type A, 11; WALKER-WARBURG SYNDROME OR MUSCLE-EYE-BRAIN DISEASE, B3GALNT2-RELATED; Congenital muscular dystrophy-dystroglycanopathy with brain and eye anomalies, type A11. Identifiers: Orphanet 588, Orphanet 899, MedGen C3554638, MONDO:0014071, OMIM 615181.

Allele frequency attached by ClinVar (database versions not stated): TOPMed below 0.00001; gnomAD 0.00001.
gnomAD v4.1: 1 of 1,614,106 alleles (0.000062%); highest among the groups gnomAD compares: Non-Finnish European, 0.000085%; no homozygotes.

Submissions (2):

Labcorp Genetics (formerly Invitae), Labcorp
Classification: Uncertain significance for Muscular dystrophy-dystroglycanopathy (congenital with brain and eye anomalies), type a, 11. Last evaluated: 2021-06-16. Review status: criteria provided, single submitter. Criteria: Invitae Variant Classification Sherloc (09022015). Collection method: clinical testing. Allele origin: germline.
Comment: This sequence change replaces valine with alanine at codon 145 of the B3GALNT2 protein (p.Val145Ala). The valine residue is moderately conserved and there is a small physicochemical difference between valine and alanine. This variant is not present in population databases (ExAC no frequency). This variant has not been reported in the literature in individuals with B3GALNT2-related conditions. Algorithms developed to predict the effect of missense changes on protein structure and function are either unavailable or do not agree on the potential impact of this missense change (SIFT: "Deleterious"; PolyPhen-2: "Benign"; Align-GVGD: "Class C0"). In summary, the available evidence is currently insufficient to determine the role of this variant in disease. Therefore, it has been classified as a Variant of Uncertain Significance.

Revvity Omics, Revvity
Classification: Uncertain significance for Muscular dystrophy-dystroglycanopathy (congenital with brain and eye anomalies), type a, 11. Last evaluated: 2019-04-03. Review status: criteria provided, single submitter. Criteria: ACMG Guidelines, 2015. Collection method: clinical testing. Allele origin: germline.

NM_152490.5(B3GALNT2):c.434T>C (p.Val145Ala)

Gene: B3GALNT2 (beta-1,3-N-acetylgalactosaminyltransferase 2; minus strand). Cytogenetic location: 1q42.3.
Variant type: single nucleotide variant.
Coding change: c.434T>C on transcript NM_152490.5 (MANE Select); coding-DNA position 434, T replaced by C.
Protein change: p.Val145Ala; replaces valine 145 with alanine.
Molecular consequence: missense variant.
Genome position (GRCh38, 1-based): chr1:235,484,443, A>G on the plus strand (T>C on the coding strand, the complement: B3GALNT2 is on the minus strand). VCF-style: chr1-235484443-A-G. GRCh37 (hg19) VCF-style: chr1-235647759-A-G.
Other names: c.557T>C, p.Val186Ala (NM_001277155.3); c.434T>C (NM_152490.3); short protein forms V145A, V186A.
Identifiers: ClinVar variation 1059811 (VCV001059811.8), dbSNP rs1684704696, ClinGen allele CA344925314.
Genomic context (GRCh38, chr1:235,484,443, plus strand): 5'-TCGTAGAACACTCCAAGACTGGTAATAACGATGGGGTAGAGAACTCGGAAACTCACGCTG[A>G]CAACTCGATCCTCAGGCAGCCCCGATGAAGTGTCTTCGGACAGACTGAACGCTTCAATTT-3'
Protein context (NP_689703.1, residues 135-155): TSSGLPEDRV[Val145Ala]SVSFRVLYPI